The following is an entry in ClinVar:

ClinVar aggregate classification (germline): Uncertain significance (0 of 4 stars; one submission).

Conditions:
PPOX-related disorder. Also called: PPOX-related condition.

gnomAD v4.1: 2 of 1,614,168 alleles (0.00012%); highest among the groups gnomAD compares: South Asian, 0.0011%; no homozygotes.

Submission:

PreventionGenetics, part of Exact Sciences
Classification: Uncertain significance for PPOX-related condition. Last evaluated: 2023-11-27. Review status: no assertion criteria provided. Collection method: clinical testing. Allele origin: germline.
Comment: The PPOX c.182T>A variant is predicted to result in the amino acid substitution p.Ile61Asn. To our knowledge, this variant has not been reported in the literature or in a large population database, indicating this variant is rare. At this time, the clinical significance of this variant is uncertain due to the absence of conclusive functional and genetic evidence.

NM_001122764.3(PPOX):c.182T>A (p.Ile61Asn)

Gene: PPOX (protoporphyrinogen oxidase; plus strand). Cytogenetic location: 1q23.3.
Variant type: single nucleotide variant.
Coding change: c.182T>A on transcript NM_001122764.3 (MANE Select); coding-DNA position 182, T replaced by A.
Protein change: p.Ile61Asn; replaces isoleucine 61 with asparagine.
Molecular consequence: missense variant. On other transcripts: 5 prime UTR variant (5).
Genome position (GRCh38, 1-based): chr1:161,167,194, T>A. VCF-style: chr1-161167194-T-A. GRCh37 (hg19) VCF-style: chr1-161136984-T-A.
Other names: c.182T>A, p.Ile61Asn (NM_000309.5, NM_001350128.2, NM_001365398.1 and 1 more transcripts); c.-246T>A (NM_001350129.2); c.-337T>A (NM_001350130.2); c.-223T>A (NM_001350131.2); c.-130T>A (NM_001365400.1); c.-189T>A (NM_001365401.1); short protein forms I61N.
Identifiers: ClinVar variation 3029153 (VCV003029153.2), dbSNP rs2525192004, ClinGen allele CA343351529.